The following is an entry in ClinVar:

ClinVar aggregate classification (germline): Benign/Likely benign. Review status: criteria provided, multiple submitters, no conflicts (2 of 4 stars). 3 submissions from 3 submitters: Benign (1); Likely benign (1). 1 of the submissions does not count toward it. Last evaluated 2026-01-15.

Conditions:
KANK2-related disorder. Also called: KANK2-related condition.

Allele frequency attached by ClinVar (database versions not stated): ESP Exome Variant Server 0.00092; 1000 Genomes Project 30x 0.00094; 1000 Genomes Project 0.00100; TOPMed 0.00101.
gnomAD v4.1: 2,811 of 1,613,660 alleles (0.17%); highest among the groups gnomAD compares: Non-Finnish European, 0.15%; 15 homozygotes.

Submissions (3):

Labcorp Genetics (formerly Invitae), Labcorp
Classification: Benign. Last evaluated: 2026-01-15. Review status: criteria provided, single submitter. Criteria: Invitae Variant Classification Sherloc (09022015). Collection method: clinical testing. Allele origin: germline.

CeGaT Center for Human Genetics Tuebingen
Classification: Likely benign. Last evaluated: 2023-12-01. Review status: criteria provided, single submitter. Criteria: CeGaT Center For Human Genetics Tuebingen Variant Classification Criteria Version 2. Collection method: clinical testing. Allele origin: germline. Affected: yes. Observed: 1 variant allele.
Comment: KANK2: BP4, BS2

PreventionGenetics, part of Exact Sciences
Classification: Benign for KANK2-related condition. Last evaluated: 2019-08-02. Review status: no assertion criteria provided. Collection method: clinical testing. Allele origin: germline. Not counted in ClinVar's aggregate classification.
Comment: This variant is classified as benign based on ACMG/AMP sequence variant interpretation guidelines (Richards et al. 2015 PMID: 25741868, with internal and published modifications).

NM_001136191.3(KANK2):c.1676G>T (p.Arg559Leu)

Gene: KANK2 (KN motif and ankyrin repeat domains 2; minus strand). Cytogenetic location: 19p13.2.
Variant type: single nucleotide variant.
Coding change: c.1676G>T on transcript NM_001136191.3 (MANE Select); coding-DNA position 1676, G replaced by T.
Protein change: p.Arg559Leu; replaces arginine 559 with leucine.
Molecular consequence: missense variant.
Genome position (GRCh38, 1-based): chr19:11,176,662, C>A on the plus strand (G>T on the coding strand, the complement: KANK2 is on the minus strand). VCF-style: chr19-11176662-C-A. GRCh37 (hg19) VCF-style: chr19-11287338-C-A.
Other names: c.1700G>T (NM_015493.6); c.1676G>T, p.Arg559Leu (NM_001329451.2, NM_001379555.1, NM_001379556.1 and 7 more transcripts); c.1700G>T, p.Arg567Leu (NM_001379548.1, NM_001379549.1, NM_001379550.1 and 5 more transcripts); short protein forms R559L, R567L.
Identifiers: ClinVar variation 738899 (VCV000738899.32), dbSNP rs138583048, ClinGen allele CA9205569.